The following is an entry in ClinVar:

NM_003705.5(SLC25A12):c.1754T>C (p.Phe585Ser)

Gene: SLC25A12 (solute carrier family 25 member 12; minus strand). Cytogenetic location: 2q31.1.
Variant type: single nucleotide variant.
Coding change: c.1754T>C on transcript NM_003705.5 (MANE Select); coding-DNA position 1754, T replaced by C.
Protein change: p.Phe585Ser; replaces phenylalanine 585 with serine.
Molecular consequence: missense variant. On other transcripts: non-coding transcript variant (1).
Genome position (GRCh38, 1-based): chr2:171,787,652, A>G on the plus strand (T>C on the coding strand, the complement: SLC25A12 is on the minus strand). VCF-style: chr2-171787652-A-G. GRCh37 (hg19) VCF-style: chr2-172644162-A-G.
Other names: short protein forms F585S.
Identifiers: ClinVar variation 1476135 (VCV001476135.8), dbSNP rs760496959, ClinGen allele CA1966033.

ClinVar aggregate classification (germline): Uncertain significance (1 of 4 stars; one submission).

Allele frequency attached by ClinVar (database versions not stated): TOPMed below 0.00001; gnomAD exomes 0.00001; ExAC 0.00002.
gnomAD v4.1: 5 of 1,614,116 alleles (0.00031%); highest among the groups gnomAD compares: Non-Finnish European, 0.00042%; no homozygotes.

Submission:

Labcorp Genetics (formerly Invitae), Labcorp
Classification: Uncertain significance. Last evaluated: 2021-07-04. Review status: criteria provided, single submitter. Criteria: Invitae Variant Classification Sherloc (09022015). Collection method: clinical testing. Allele origin: germline.
Comment: In summary, the available evidence is currently insufficient to determine the role of this variant in disease. Therefore, it has been classified as a Variant of Uncertain Significance. This sequence change replaces phenylalanine with serine at codon 585 of the SLC25A12 protein (p.Phe585Ser). The phenylalanine residue is moderately conserved and there is a large physicochemical difference between phenylalanine and serine. This variant is present in population databases (rs760496959, ExAC 0.003%). This variant has not been reported in the literature in individuals affected with SLC25A12-related conditions. Algorithms developed to predict the effect of missense changes on protein structure and function are either unavailable or do not agree on the potential impact of this missense change (SIFT: "Tolerated"; PolyPhen-2: "Possibly Damaging"; Align-GVGD: "Class C0").